The following is an entry in ClinVar:

ClinVar aggregate classification (germline): Uncertain significance. Review status: criteria provided, multiple submitters, no conflicts (2 of 4 stars). 2 submissions from 2 submitters: Uncertain significance (2). Last evaluated 2025-01-27.

Conditions:
Multiple endocrine neoplasia type 4. Also called: MULTIPLE ENDOCRINE NEOPLASIA, TYPE IV. Identifiers: Orphanet 276152, MedGen C1970712, MONDO:0012552, OMIM 610755.
Hereditary cancer-predisposing syndrome. Also called: Tumor predisposition; Hereditary neoplastic syndrome; Hereditary Cancer Syndrome; Neoplastic Syndromes, Hereditary. Identifiers: Orphanet 140162, MedGen C0027672, MeSH D009386, MONDO:0015356.

Submissions (2):

Ambry Genetics
Classification: Uncertain significance for Hereditary cancer-predisposing syndrome. Last evaluated: 2025-01-27. Review status: criteria provided, single submitter. Criteria: Ambry Variant Classification Scheme 2023. Collection method: clinical testing. Allele origin: germline.
Comment: The p.R196S variant (also known as c.586C>A), located in coding exon 2 of the CDKN1B gene, results from a C to A substitution at nucleotide position 586. The arginine at codon 196 is replaced by serine, an amino acid with dissimilar properties. This amino acid position is conserved. In addition, this alteration is predicted to be tolerated by in silico analysis. Based on the available evidence, the clinical significance of this variant remains unclear.

Labcorp Genetics (formerly Invitae), Labcorp
Classification: Uncertain significance for Multiple endocrine neoplasia type 4. Last evaluated: 2023-10-05. Review status: criteria provided, single submitter. Criteria: Invitae Variant Classification Sherloc (09022015). Collection method: clinical testing. Allele origin: germline.
Comment: This sequence change replaces arginine, which is basic and polar, with serine, which is neutral and polar, at codon 196 of the CDKN1B protein (p.Arg196Ser). This variant is not present in population databases (gnomAD no frequency). This variant has not been reported in the literature in individuals affected with CDKN1B-related conditions. ClinVar contains an entry for this variant (Variation ID: 1951255). An algorithm developed to predict the effect of missense changes on protein structure and function (PolyPhen-2) suggests that this variant is likely to be tolerated. In summary, the available evidence is currently insufficient to determine the role of this variant in disease. Therefore, it has been classified as a Variant of Uncertain Significance.

NM_004064.5(CDKN1B):c.586C>A (p.Arg196Ser)

Gene: CDKN1B (cyclin dependent kinase inhibitor 1B; plus strand). Cytogenetic location: 12p13.1.
Variant type: single nucleotide variant.
Coding change: c.586C>A on transcript NM_004064.5 (MANE Select); coding-DNA position 586, C replaced by A.
Protein change: p.Arg196Ser; replaces arginine 196 with serine.
Molecular consequence: missense variant.
Genome position (GRCh38, 1-based): chr12:12,718,935, C>A. VCF-style: chr12-12718935-C-A. GRCh37 (hg19) VCF-style: chr12-12871869-C-A.
Other names: c.586C>A (NM_004064.3); short protein forms R196S.
Identifiers: ClinVar variation 1951255 (VCV001951255.6), dbSNP rs766315004, ClinGen allele CA383973203.
Genomic context (GRCh38, chr12:12,718,935, plus strand): 5'-GACGGTTCCCCAAATGCCGGTTCTGTGGAGCAGACGCCCAAGAAGCCTGGCCTCAGAAGA[C>A]GTCAAACGTAAACAGCTCGGTGGGTTGATCACTAAAGGAGCACGCACTGGAACCCGGGGC-3'
Protein context (NP_004055.1, residues 186-198): QTPKKPGLRR[Arg196Ser]QT